The following is an entry in ClinVar:

NM_177402.5(SYT2):c.1075G>A (p.Val359Met)

Gene: SYT2 (synaptotagmin 2; minus strand). Cytogenetic location: 1q32.1.
Variant type: single nucleotide variant.
Coding change: c.1075G>A on transcript NM_177402.5 (MANE Select); coding-DNA position 1075, G replaced by A.
Protein change: p.Val359Met; replaces valine 359 with methionine.
Molecular consequence: missense variant.
Genome position (GRCh38, 1-based): chr1:202,596,942, C>T on the plus strand (G>A on the coding strand, the complement: SYT2 is on the minus strand). VCF-style: chr1-202596942-C-T. GRCh37 (hg19) VCF-style: chr1-202566070-C-T.
Other names: c.1075G>A, p.Val359Met (NM_001136504.1); short protein forms V359M.
Identifiers: ClinVar variation 2420137 (VCV002420137.6), dbSNP rs1690319320, ClinGen allele CA344256183.

ClinVar aggregate classification (germline): Uncertain significance (1 of 4 stars; one submission).

Allele frequency attached by ClinVar (database versions not stated): gnomAD exomes below 0.00001; TOPMed below 0.00001; gnomAD 0.00001.
gnomAD v4.1: 5 of 1,614,060 alleles (0.00031%); highest among the groups gnomAD compares: South Asian, 0.0022%; no homozygotes.

Submission:

Labcorp Genetics (formerly Invitae), Labcorp
Classification: Uncertain significance. Last evaluated: 2022-08-29. Review status: criteria provided, single submitter. Criteria: Invitae Variant Classification Sherloc (09022015). Collection method: clinical testing. Allele origin: germline.
Comment: This variant is not present in population databases (gnomAD no frequency). This variant has not been reported in the literature in individuals affected with SYT2-related conditions. Algorithms developed to predict the effect of missense changes on protein structure and function are either unavailable or do not agree on the potential impact of this missense change (SIFT: "Deleterious"; PolyPhen-2: "Probably Damaging"; Align-GVGD: "Class C0"). In summary, the available evidence is currently insufficient to determine the role of this variant in disease. Therefore, it has been classified as a Variant of Uncertain Significance. This sequence change replaces valine, which is neutral and non-polar, with methionine, which is neutral and non-polar, at codon 359 of the SYT2 protein (p.Val359Met).